The following is an entry in ClinVar:

NM_002303.6(LEPR):c.371-19_371-9del

Gene: LEPR (leptin receptor; plus strand). Cytogenetic location: 1p31.3.
Variant type: Deletion.
Coding change: c.371-19_371-9del on transcript NM_002303.6 (MANE Select); 19 bases into the intron before coding-DNA position 371 through 9 bases into the intron before coding-DNA position 371, 11 bases deleted (TTTTTTTTTTT).
Molecular consequence: intron variant.
Genome position (GRCh38, 1-based): chr1:65,572,307-65,572,317, TTTTTTTTTTT deleted; deleting any 11 consecutive bases within chr1:65,572,291-65,572,317 gives the same sequence; the c. name uses the placement nearest the transcript's 3' end. VCF-style (leftmost placement, unchanged base first): chr1-65572290-GTTTTTTTTTTT-G. GRCh37 (hg19) VCF-style: chr1-66037973-GTTTTTTTTTTT-G.
Other names: c.371-19_371-9del (NM_001003679.3, NM_001003680.3, NM_001198689.2 and 2 more transcripts).
Identifiers: ClinVar variation 3058915 (VCV003058915.2), dbSNP rs747467075, ClinGen allele CA894517.

ClinVar aggregate classification (germline): Likely benign (0 of 4 stars; one submission).

Conditions:
LEPR-related disorder. Also called: LEPR-related disorders; LEPR-related condition.

Submission:

PreventionGenetics, part of Exact Sciences
Classification: Likely benign for LEPR-related condition. Last evaluated: 2023-11-01. Review status: no assertion criteria provided. Collection method: clinical testing. Allele origin: germline.
Comment: This variant is classified as likely benign based on ACMG/AMP sequence variant interpretation guidelines (Richards et al. 2015 PMID: 25741868, with internal and published modifications).